The following is an entry in ClinVar:

ClinVar aggregate classification (germline): Likely benign. Review status: criteria provided, multiple submitters, no conflicts (2 of 4 stars). 3 submissions from 3 submitters: Likely benign (3). Last evaluated 2025-11-10.

Conditions:
Hereditary nonpolyposis colorectal neoplasms. Identifiers: MedGen C0009405, MeSH D003123.
Lynch syndrome 4 (LYNCH4). Also called: Colorectal cancer, hereditary nonpolyposis, type 4; Hereditary non-polyposis colorectal cancer, type 4. Identifiers: Orphanet 144, MedGen C1838333, MONDO:0013699, OMIM 614337. Disease mechanism: loss of function.

Submissions (3):

Labcorp Genetics (formerly Invitae), Labcorp
Classification: Likely benign for Hereditary nonpolyposis colorectal neoplasms. Last evaluated: 2025-11-10. Review status: criteria provided, single submitter. Criteria: Invitae Variant Classification Sherloc (09022015). Collection method: clinical testing. Allele origin: germline.

Women's Health and Genetics/Laboratory Corporation of America, LabCorp
Classification: Likely benign. Last evaluated: 2025-04-28. Review status: criteria provided, single submitter. Criteria: LabCorp Variant Classification Summary - May 2015. Collection method: clinical testing. Allele origin: germline.

Myriad Genetics, Inc.
Classification: Likely benign for Lynch syndrome 4. Last evaluated: 2025-02-03. Review status: criteria provided, single submitter. Criteria: Myriad Autosomal Dominant, Autosomal Recessive and X-Linked Classification Criteria (2023). Collection method: clinical testing. Allele origin: unknown.
Comment: This variant is considered likely benign. This variant is intronic and is not expected to impact mRNA splicing.

NM_000535.7(PMS2):c.2275+8A>G

Gene: PMS2 (PMS1 homolog 2, mismatch repair system component; minus strand). Cytogenetic location: 7p22.1.
Variant type: single nucleotide variant.
Coding change: c.2275+8A>G on transcript NM_000535.7 (MANE Select); 8 bases into the intron after coding-DNA position 2275, A replaced by G.
Molecular consequence: intron variant.
Genome position (GRCh38, 1-based): chr7:5,978,588, T>C on the plus strand (A>G on the coding strand, the complement: PMS2 is on the minus strand). VCF-style: chr7-5978588-T-C. GRCh37 (hg19) VCF-style: chr7-6018219-T-C.
Other names: c.1957+8A>G (NM_001322008.2, NM_001322007.2); c.1714+8A>G (NM_001322010.2); c.1870+8A>G (NM_001322004.2, NM_001322003.2, NM_001322009.2 and 1 more transcripts); c.1702+8A>G (NM_001322013.2); c.1342+8A>G (NM_001322012.2, NM_001322011.2); c.1966+8A>G (NM_001322015.2); c.2119+8A>G (NM_001322006.2); c.2275+8A>G (NM_001322014.2).
Identifiers: ClinVar variation 237903 (VCV000237903.15), dbSNP rs878854046, ClinGen allele CA10582496.
Genomic context (GRCh38, chr7:5,978,588, plus strand): 5'-CCCAGAGTGCTGGGATTACAGACGTGAGCCACCACACCCAGCCGCTATAGTTCTAATTAA[T>C]AACTTACCATTTTCATCGATAACAAAATCAAAGCCATTCTTTCTAAATATTTCCAGATTT-3'